The following is an entry in ClinVar:

NM_022089.4(ATP13A2):c.602G>A (p.Arg201His)

Gene: ATP13A2 (ATPase cation transporting 13A2; minus strand). Cytogenetic location: 1p36.13.
Variant type: single nucleotide variant.
Coding change: c.602G>A on transcript NM_022089.4 (MANE Select); coding-DNA position 602, G replaced by A.
Protein change: p.Arg201His; replaces arginine 201 with histidine.
Molecular consequence: missense variant.
Genome position (GRCh38, 1-based): chr1:17,002,329, C>T on the plus strand (G>A on the coding strand, the complement: ATP13A2 is on the minus strand). VCF-style: chr1-17002329-C-T. GRCh37 (hg19) VCF-style: chr1-17328824-C-T.
Other names: c.587G>A, p.Arg196His (NM_001141973.3, NM_001141974.3); short protein forms R201H, R196H.
Identifiers: ClinVar variation 1751175 (VCV001751175.2), dbSNP rs767520917, ClinGen allele CA637568.

ClinVar aggregate classification (germline): Uncertain significance (1 of 4 stars; one submission).

Conditions:
Inborn genetic diseases. Identifiers: MedGen C0950123, MeSH D030342.

Allele frequency attached by ClinVar (database versions not stated): gnomAD 0.00003.

Submission:

Ambry Genetics
Classification: Uncertain significance for Inborn genetic diseases. Last evaluated: 2018-06-05. Review status: criteria provided, single submitter. Criteria: Ambry Variant Classification Scheme 2023. Collection method: clinical testing. Allele origin: germline.
Comment: The p.R201H variant (also known as c.602G>A), located in coding exon 7 of the ATP13A2 gene, results from a G to A substitution at nucleotide position 602. The arginine at codon 201 is replaced by histidine, an amino acid with highly similar properties. This amino acid position is poorly conserved in available vertebrate species. In addition, this alteration is predicted to be tolerated by in silico analysis. Since supporting evidence is limited at this time, the clinical significance of this alteration remains unclear.